The following is an entry in ClinVar:

ClinVar aggregate classification (germline): Uncertain significance (1 of 4 stars; one submission).

Conditions:
LRRC45-related disorder. Also called: LRRC45-related condition.

Submission:

PreventionGenetics, part of Exact Sciences
Classification: Uncertain significance for LRRC45-related condition. Last evaluated: 2026-04-27. Review status: criteria provided, single submitter. Criteria: ACMG Guidelines, 2015. Collection method: clinical testing. Allele origin: germline.
Comment: The LRRC45 c.569G>A variant is predicted to result in the amino acid substitution p.Arg190Gln. To our knowledge, this variant has not been reported in the literature. This variant is reported in 0.011% of alleles in individuals of East Asian descent in gnomAD. At this time, the clinical significance of this variant is uncertain due to the absence of conclusive functional and genetic evidence.

NM_144999.4(LRRC45):c.569G>A (p.Arg190Gln)

Gene: LRRC45 (leucine rich repeat containing 45; plus strand). Cytogenetic location: 17q25.3.
Variant type: single nucleotide variant.
Coding change: c.569G>A on transcript NM_144999.4 (MANE Select); coding-DNA position 569, G replaced by A.
Protein change: p.Arg190Gln; replaces arginine 190 with glutamine.
Molecular consequence: missense variant.
Genome position (GRCh38, 1-based): chr17:82,025,415, G>A. VCF-style: chr17-82025415-G-A. GRCh37 (hg19) VCF-style: chr17-79983291-G-A.
Other names: short protein forms R190Q.
Identifiers: ClinVar variation 4978974 (VCV004978974.1).